The following is an entry in ClinVar:

NM_197968.4(ZMYM2):c.3749del (p.Asn1250fs)

Gene: ZMYM2 (zinc finger MYM-type containing 2; plus strand). Cytogenetic location: 13q12.11.
Variant type: Deletion.
Coding change: c.3749del on transcript NM_197968.4 (MANE Select); coding-DNA position 3749, one base deleted (A; older notation c.3749delA).
Protein change: p.Asn1250fs; shifts the reading frame from asparagine 1250.
Molecular consequence: frameshift variant. On other transcripts: non-coding transcript variant (1).
Genome position (GRCh38, 1-based): chr13:20,082,961, A deleted; the last of 8 consecutive A bases (chr13:20,082,954-20,082,961); deleting any one gives the same sequence. VCF-style (leftmost placement, unchanged base first): chr13-20082953-GA-G. GRCh37 (hg19) VCF-style: chr13-20657093-GA-G.
Other names: c.3749del, p.Asn1250fs (NM_001190965.4, NM_001353157.2, NM_001353159.2 and 4 more transcripts); c.3554del, p.Asn1185fs (NM_001353161.3); c.3488del, p.Asn1163fs (NM_001353163.2); c.3749delA (NM_197968.4); short protein forms N1163fs, N1185fs, N1250fs.
Identifiers: ClinVar variation 3251749 (VCV003251749.1), dbSNP rs904779823.

ClinVar aggregate classification (germline): Pathogenic (1 of 4 stars; one submission).

Conditions:
Neurodevelopmental-craniofacial syndrome with variable renal and cardiac abnormalities. Identifiers: MedGen C5561984, MONDO:0859190, OMIM 619522.

Submission:

Women's Health and Genetics/Laboratory Corporation of America, LabCorp
Classification: Pathogenic for Neurodevelopmental-craniofacial syndrome with variable renal and cardiac abnormalities. Last evaluated: 2024-04-24. Review status: criteria provided, single submitter. Criteria: LabCorp Variant Classification Summary - May 2015. Collection method: clinical testing. Allele origin: germline.
Comment: Variant summary: ZMYM2 c.3749delA (p.Asn1250IlefsX3) results in a premature termination codon, predicted to cause a truncation of the encoded protein or absence of the protein due to nonsense mediated decay, which are commonly known mechanisms for disease. The variant was absent in 152232 control chromosomes. To our knowledge, no occurrence of c.3749delA in individuals affected with Neurodevelopmental-Craniofacial Syndrome With Variable Renal And Cardiac Abnormalities and no experimental evidence demonstrating its impact on protein function have been reported. No submitters have cited clinical-significance assessments for this variant to ClinVar. Based on the evidence outlined above, the variant was classified as pathogenic.